The following is an entry in ClinVar:

NM_030962.4(SBF2):c.2031G>A (p.Val677=)

Genes: SBF2 (SET binding factor 2; minus strand), LOC101928008 (uncharacterized LOC101928008; plus strand). Cytogenetic location: 11p15.4.
Variant type: single nucleotide variant.
Coding change: c.2031G>A on transcript NM_030962.4 (MANE Select); coding-DNA position 2031, G replaced by A.
Protein change: p.Val677=; no amino-acid change (valine 677 retained).
Molecular consequence: synonymous variant.
Genome position (GRCh38, 1-based): chr11:9,858,295, C>T on the plus strand (G>A on the coding strand, the complement: SBF2 is on the minus strand). VCF-style: chr11-9858295-C-T. GRCh37 (hg19) VCF-style: chr11-9879842-C-T.
Other names: c.2031G>A, p.Val677= (NM_001386339.1); c.1902G>A, p.Val634= (NM_001386342.1); c.2067G>A, p.Val689= (NM_001424318.1, NM_001425069.1, NM_001425070.1).
Identifiers: ClinVar variation 2914020 (VCV002914020.22), dbSNP rs1225275528, ClinGen allele CA473078170.

ClinVar aggregate classification (germline): Likely benign. Review status: criteria provided, multiple submitters, no conflicts (2 of 4 stars). 2 submissions from 2 submitters: Likely benign (2). Last evaluated 2025-06-27.

Conditions:
Charcot-Marie-Tooth disease type 4. Also called: Charcot-Marie-Tooth, Type 4; Charcot-Marie-Tooth disease, type IV. Identifiers: Orphanet 64749, MedGen C4082197, MONDO:0018995.

Allele frequency attached by ClinVar (database versions not stated): gnomAD 0.00002; gnomAD exomes 0.00002; TOPMed 0.00005.
gnomAD v4.1: 31 of 1,614,040 alleles (0.0019%); highest among the groups gnomAD compares: Admixed American, 0.0083%; no homozygotes.

Submissions (2):

Labcorp Genetics (formerly Invitae), Labcorp
Classification: Likely benign for Charcot-Marie-Tooth disease type 4. Last evaluated: 2025-06-27. Review status: criteria provided, single submitter. Criteria: Invitae Variant Classification Sherloc (09022015). Collection method: clinical testing. Allele origin: germline.

CeGaT Center for Human Genetics Tuebingen
Classification: Likely benign. Last evaluated: 2024-05-01. Review status: criteria provided, single submitter. Criteria: CeGaT Center For Human Genetics Tuebingen Variant Classification Criteria Version 2. Collection method: clinical testing. Allele origin: germline. Affected: yes. Observed: 1 variant allele.
Comment: SBF2: BP4, BP7